The following is an entry in ClinVar:

NM_000368.5(TSC1):c.2626-4_2626-3insTTC

Gene: TSC1 (TSC complex subunit 1; minus strand). Cytogenetic location: 9q34.13.
Variant type: Insertion.
Coding change: c.2626-4_2626-3insTTC on transcript NM_000368.5 (MANE Select); 4 bases into the intron before coding-DNA position 2626 through 3 bases into the intron before coding-DNA position 2626, TTC inserted.
Molecular consequence: intron variant.
Genome position: GRCh38 VCF-style: chr9-132897613-G-GGAA. GRCh37 (hg19) VCF-style: chr9-135773000-G-GGAA.
Other names: c.2263-4_2263-3insTTC (NM_001362177.2); c.2473-4_2473-3insTTC (NM_001162427.2); c.2623-4_2623-3insTTC (NM_001162426.2).
Identifiers: ClinVar variation 2178320 (VCV002178320.5), dbSNP rs1554813651, ClinGen allele CA2579494094.

ClinVar aggregate classification (germline): Likely benign. Review status: criteria provided, multiple submitters, no conflicts (2 of 4 stars). 2 submissions from 2 submitters: Likely benign (2). Last evaluated 2025-04-28.

Conditions:
Tuberous sclerosis 1 (TSC1). Identifiers: Orphanet 805, MedGen C1854465, MONDO:0008612, OMIM 191100.

Submissions (2):

Myriad Genetics, Inc.
Classification: Likely benign for Tuberous sclerosis 1. Last evaluated: 2025-04-28. Review status: criteria provided, single submitter. Criteria: Myriad Autosomal Dominant, Autosomal Recessive and X-Linked Classification Criteria (2023). Collection method: clinical testing. Allele origin: unknown.
Comment: This variant is considered likely benign. This variant is intronic and is not expected to impact mRNA splicing.

Labcorp Genetics (formerly Invitae), Labcorp
Classification: Likely benign for Tuberous sclerosis 1. Last evaluated: 2024-11-11. Review status: criteria provided, single submitter. Criteria: Invitae Variant Classification Sherloc (09022015). Collection method: clinical testing. Allele origin: germline.